The following is an entry in ClinVar:

ClinVar aggregate classification (germline): Uncertain significance (1 of 4 stars; one submission).

Conditions:
Bethlem myopathy 1A. Also called: MYOPATHY, BENIGN CONGENITAL, WITH CONTRACTURES; Bethlem myopathy 1; Bethlem Muscular Dystrophy. Identifiers: Orphanet 610, MedGen CN029274, MONDO:0024530, OMIM 158810.

Allele frequency attached by ClinVar (database versions not stated): gnomAD exomes 0.00001.
gnomAD v4.1: 3 of 1,613,884 alleles (0.00019%); highest among the groups gnomAD compares: South Asian, 0.0011%; no homozygotes.

Submission:

Labcorp Genetics (formerly Invitae), Labcorp
Classification: Uncertain significance for Bethlem myopathy 1A. Last evaluated: 2025-10-02. Review status: criteria provided, single submitter. Criteria: Invitae Variant Classification Sherloc (09022015). Collection method: clinical testing. Allele origin: germline.
Comment: This sequence change replaces glutamic acid, which is acidic and polar, with lysine, which is basic and polar, at codon 1211 of the COL6A3 protein (p.Glu1211Lys). This variant is not present in population databases (gnomAD no frequency). This variant has not been reported in the literature in individuals affected with COL6A3-related conditions. ClinVar contains an entry for this variant (Variation ID: 855203). Invitae Evidence Modeling of protein sequence and biophysical properties (such as structural, functional, and spatial information, amino acid conservation, physicochemical variation, residue mobility, and thermodynamic stability) indicates that this missense variant is not expected to disrupt COL6A3 protein function with a negative predictive value of 95%. In summary, the available evidence is currently insufficient to determine the role of this variant in disease. Therefore, it has been classified as a Variant of Uncertain Significance.

NM_004369.4(COL6A3):c.3631G>A (p.Glu1211Lys)

Gene: COL6A3 (collagen type VI alpha 3 chain; minus strand). Cytogenetic location: 2q37.3.
Variant type: single nucleotide variant.
Coding change: c.3631G>A on transcript NM_004369.4 (MANE Select); coding-DNA position 3631, G replaced by A.
Protein change: p.Glu1211Lys; replaces glutamic acid 1211 with lysine.
Molecular consequence: missense variant.
Genome position (GRCh38, 1-based): chr2:237,374,460, C>T on the plus strand (G>A on the coding strand, the complement: COL6A3 is on the minus strand). VCF-style: chr2-237374460-C-T. GRCh37 (hg19) VCF-style: chr2-238283103-C-T.
Other names: c.2410G>A, p.Glu804Lys (NM_057164.5); c.3013G>A, p.Glu1005Lys (NM_057165.5, NM_057167.4); c.1810G>A, p.Glu604Lys (NM_057166.5); short protein forms E604K, E1005K, E1211K, E804K.
Identifiers: ClinVar variation 855203 (VCV000855203.10), dbSNP rs2077777129, ClinGen allele CA351201574.